The following is an entry in ClinVar:

ClinVar aggregate classification (germline): Uncertain significance (1 of 4 stars; one submission).

Submission:

Labcorp Genetics (formerly Invitae), Labcorp
Classification: Uncertain significance. Last evaluated: 2020-10-10. Review status: criteria provided, single submitter. Criteria: Invitae Variant Classification Sherloc (09022015). Collection method: clinical testing. Allele origin: germline.
Comment: In summary, the available evidence is currently insufficient to determine the role of this variant in disease. Therefore, it has been classified as a Variant of Uncertain Significance. Algorithms developed to predict the effect of missense changes on protein structure and function output the following: SIFT: "Tolerated"; PolyPhen-2: "Benign"; Align-GVGD: "Class C0". The leucine amino acid residue is found in multiple mammalian species, suggesting that this missense change does not adversely affect protein function. These predictions have not been confirmed by published functional studies and their clinical significance is uncertain. This variant has not been reported in the literature in individuals with MSH3-related conditions. This variant is not present in population databases (ExAC no frequency). This sequence change replaces methionine with leucine at codon 753 of the MSH3 protein (p.Met753Leu). The methionine residue is moderately conserved and there is a small physicochemical difference between methionine and leucine.

NM_002439.5(MSH3):c.2257A>T (p.Met753Leu)

Gene: MSH3 (mutS homolog 3; plus strand). Cytogenetic location: 5q14.1.
Variant type: single nucleotide variant.
Coding change: c.2257A>T on transcript NM_002439.5 (MANE Select); coding-DNA position 2257, A replaced by T.
Protein change: p.Met753Leu; replaces methionine 753 with leucine.
Molecular consequence: missense variant.
Genome position (GRCh38, 1-based): chr5:80,775,697, A>T. VCF-style: chr5-80775697-A-T. GRCh37 (hg19) VCF-style: chr5-80071516-A-T.
Other names: short protein forms M753L.
Identifiers: ClinVar variation 1011842 (VCV001011842.8), dbSNP rs1744285293, ClinGen allele CA360280673.